The following is an entry in ClinVar:

ClinVar aggregate classification (germline): Likely pathogenic (1 of 4 stars; one submission).

Conditions:
Combined immunodeficiency due to STK4 deficiency (IMD110). Also called: STK4 DEFICIENCY; MST1 DEFICIENCY; T-cell immunodeficiency, recurrent infections, and autoimmunity with or without cardiac malformations. Identifiers: Orphanet 314689, MedGen C3553943, MONDO:0013934, OMIM 614868.

Submission:

Labcorp Genetics (formerly Invitae), Labcorp
Classification: Likely pathogenic for Combined immunodeficiency due to STK4 deficiency. Last evaluated: 2023-11-28. Review status: criteria provided, single submitter. Criteria: Invitae Variant Classification Sherloc (09022015). Collection method: clinical testing. Allele origin: germline.
Comment: This sequence change affects an acceptor splice site in intron 1 of the STK4 gene. It is expected to disrupt RNA splicing. Variants that disrupt the donor or acceptor splice site typically lead to a loss of protein function (PMID: 16199547), and loss-of-function variants in STK4 are known to be pathogenic (PMID: 22174160). This variant is not present in population databases (gnomAD no frequency). This variant has not been reported in the literature in individuals affected with STK4-related conditions. ClinVar contains an entry for this variant (Variation ID: 2020904). Algorithms developed to predict the effect of sequence changes on RNA splicing suggest that this variant may disrupt the consensus splice site. In summary, the currently available evidence indicates that the variant is pathogenic, but additional data are needed to prove that conclusively. Therefore, this variant has been classified as Likely Pathogenic.

Literature cited by the submitters: PubMed 16199547; PubMed 22174160.

NM_006282.5(STK4):c.36-1G>A

Gene: STK4 (serine/threonine kinase 4; plus strand). Cytogenetic location: 20q13.12.
Variant type: single nucleotide variant.
Coding change: c.36-1G>A on transcript NM_006282.5 (MANE Select); the canonical splice acceptor site of the intron before coding-DNA position 36, G replaced by A.
Molecular consequence: splice acceptor variant.
Genome position (GRCh38, 1-based): chr20:44,972,077, G>A. VCF-style: chr20-44972077-G-A. GRCh37 (hg19) VCF-style: chr20-43600718-G-A.
Other names: c.36-1G>A (NM_001352385.2).
Identifiers: ClinVar variation 2020904 (VCV002020904.4), dbSNP rs2515586999, ClinGen allele CA409147161.
Genomic context (GRCh38, chr20:44,972,077, plus strand): 5'-TTTTATGTTCTAGTTCCTAGCAAATAAAATGTATTTTGTGTTTATATTTCTTTATTCACA[G>A]GCAGCTGAAAAAGTTGGATGAAGATAGTTTAACCAAACAACCAGAAGAAGTATTTGATGT-3'